The following is an entry in ClinVar:

ClinVar aggregate classification (germline): Uncertain significance (1 of 4 stars; one submission).

Conditions:
Imerslund-Grasbeck syndrome. Also called: Imerslund-Gräsbeck syndrome; ENTEROCYTE COBALAMIN MALABSORPTION; ENTEROCYTE INTRINSIC FACTOR RECEPTOR, DEFECT OF; PERNICIOUS ANEMIA, JUVENILE, DUE TO SELECTIVE INTESTINAL MALABSORPTION OF VITAMIN B12, WITH PROTEINURIA; Megaloblastic anemia due to inborn errors of metabolism. Identifiers: Orphanet 35858, MedGen C4551825, MONDO:0009853.

gnomAD v4.1: 25 of 1,541,284 alleles (0.0016%); highest among the groups gnomAD compares: East Asian, 0.0022%; no homozygotes.

Submission:

Labcorp Genetics (formerly Invitae), Labcorp
Classification: Uncertain significance for Imerslund-Grasbeck syndrome. Last evaluated: 2025-02-11. Review status: criteria provided, single submitter. Criteria: Invitae Variant Classification Sherloc (09022015). Collection method: clinical testing. Allele origin: germline.
Comment: This sequence change replaces isoleucine, which is neutral and non-polar, with valine, which is neutral and non-polar, at codon 410 of the CUBN protein (p.Ile410Val). This variant is not present in population databases (gnomAD no frequency). This variant has not been reported in the literature in individuals affected with CUBN-related conditions. An algorithm developed to predict the effect of missense changes on protein structure and function outputs the following: PolyPhen-2: "Benign". The valine amino acid residue is found in multiple mammalian species, which suggests that this missense change does not adversely affect protein function. Algorithms developed to predict the effect of sequence changes on RNA splicing suggest that this variant may disrupt the consensus splice site. In summary, the available evidence is currently insufficient to determine the role of this variant in disease. Therefore, it has been classified as a Variant of Uncertain Significance.

NM_001081.4(CUBN):c.1228A>G (p.Ile410Val)

Gene: CUBN (cubilin; minus strand). Cytogenetic location: 10p13.
Variant type: single nucleotide variant.
Coding change: c.1228A>G on transcript NM_001081.4 (MANE Select); coding-DNA position 1228, A replaced by G.
Protein change: p.Ile410Val; replaces isoleucine 410 with valine.
Molecular consequence: missense variant.
Genome position (GRCh38, 1-based): chr10:17,105,459, T>C on the plus strand (A>G on the coding strand, the complement: CUBN is on the minus strand). VCF-style: chr10-17105459-T-C. GRCh37 (hg19) VCF-style: chr10-17147458-T-C.
Other names: short protein forms I410V.
Identifiers: ClinVar variation 3683457 (VCV003683457.2).